The following is an entry in ClinVar:

ClinVar aggregate classification (germline): Pathogenic/Likely pathogenic. Review status: criteria provided, multiple submitters, no conflicts (2 of 4 stars). 5 submissions from 5 submitters: Pathogenic (1); Likely pathogenic (2). 2 of the submissions do not count toward it. Last evaluated 2026-08-20.

Conditions:
DNAAF5-related disorder. Also called: DNAAF5-related condition.
Primary ciliary dyskinesia 18. Also called: CILIARY DYSKINESIA, PRIMARY, 18, WITH OR WITHOUT SITUS INVERSUS. Identifiers: Orphanet 244, MedGen C3543825, MONDO:0013940, OMIM 614874.
Primary ciliary dyskinesia. Also called: Ciliary dyskinesia. Identifiers: Orphanet 244, MedGen C0008780, MONDO:0016575, HP:0012265.

Allele frequency attached by ClinVar (database versions not stated): TOPMed below 0.00001.

Submissions (5):

PreventionGenetics, part of Exact Sciences
Classification: Likely pathogenic for DNAAF5-related condition. Last evaluated: 2026-08-20. Review status: criteria provided, single submitter. Criteria: ACMG Guidelines, 2015. Collection method: clinical testing. Allele origin: germline.
Comment: The DNAAF5 c.2384T>C variant is predicted to result in the amino acid substitution p.Leu795Pro. This variant has been reported in the homozygous state in 9 members from a large American Amish pedigree affected with primary ciliary dyskinesia. This variant was confirmed to segregate with the disease in this family (Horani et al. 2012. PubMed ID: 23040496). In vitro functional studies indicated that this variant causes markedly reduced DNAAF5 expression, absent dynein arms, and loss of ciliary beating in airway epithelial cells isolated from PCD-affected individuals (Horani et al. 2012. PubMed ID: 23040496). This variant has not been reported in a large population database (gnomAD), indicating this variant is rare. This variant is interpreted as likely pathogenic.

Labcorp Genetics (formerly Invitae), Labcorp
Classification: Pathogenic for Primary ciliary dyskinesia. Last evaluated: 2022-10-26. Review status: criteria provided, single submitter. Criteria: Invitae Variant Classification Sherloc (09022015). Collection method: clinical testing. Allele origin: germline.
Comment: This sequence change replaces leucine, which is neutral and non-polar, with proline, which is neutral and non-polar, at codon 795 of the DNAAF5 protein (p.Leu795Pro). This variant is not present in population databases (gnomAD no frequency). This missense change has been observed in individual(s) with primary ciliary dyskinesia (PCD) (PMID: 23040496). It has also been observed to segregate with disease in related individuals. ClinVar contains an entry for this variant (Variation ID: 39684). Advanced modeling of protein sequence and biophysical properties (such as structural, functional, and spatial information, amino acid conservation, physicochemical variation, residue mobility, and thermodynamic stability) performed at Invitae indicates that this missense variant is expected to disrupt DNAAF5 protein function. Experimental studies have shown that this missense change affects DNAAF5 function (PMID: 23040496). For these reasons, this variant has been classified as Pathogenic.

GeneDx
Classification: Likely pathogenic. Last evaluated: 2022-02-07. Review status: criteria provided, single submitter. Criteria: GeneDx Variant Classification Process June 2021. Collection method: clinical testing. Allele origin: germline. Affected: yes.
Comment: Airway epithelial cells from an affected individual showed reduced DNAAF5 levels, absent dynein arms, and loss of ciliary beating (Horani et al., 2012); Not observed at significant frequency in large population cohorts (gnomAD); In silico analysis supports that this missense variant has a deleterious effect on protein structure/function; This variant is associated with the following publications: (PMID: 23040496, 23477994, 31534215, 31028937)

OMIM
Classification: Pathogenic for CILIARY DYSKINESIA, PRIMARY, 18, WITH OR WITHOUT SITUS INVERSUS. Last evaluated: 2012-10-05. Review status: no assertion criteria provided. Collection method: literature only. Allele origin: germline. Not counted in ClinVar's aggregate classification.

GeneReviews
No classification provided. Condition: Primary ciliary dyskinesia 18. Review status: no classification provided. Collection method: literature only. Allele origin: unknown. Not counted in ClinVar's aggregate classification.

Literature cited by the submitters: PubMed 23040496 (cited by 3 submitters); PubMed 20301301 (cited by GeneReviews); NCBI Bookshelf NBK1122 (cited by GeneReviews).

NM_017802.4(DNAAF5):c.2384T>C (p.Leu795Pro)

Gene: DNAAF5 (dynein axonemal assembly factor 5; plus strand). Cytogenetic location: 7p22.3.
Variant type: single nucleotide variant.
Coding change: c.2384T>C on transcript NM_017802.4 (MANE Select); coding-DNA position 2384, T replaced by C.
Protein change: p.Leu795Pro; replaces leucine 795 with proline.
Molecular consequence: missense variant. On other transcripts: non-coding transcript variant (1).
Genome position (GRCh38, 1-based): chr7:780,097, T>C. VCF-style: chr7-780097-T-C. GRCh37 (hg19) VCF-style: chr7-819734-T-C.
Other names: short protein forms L795P.
Identifiers: ClinVar variation 39684 (VCV000039684.16), dbSNP rs397514561, ClinGen allele CA343807.
Genomic context (GRCh38, chr7:780,097, plus strand): 5'-AGGGTGCCAACGCAAAATCCTACTATCAGAGCAGTGTCCAGTACCTGTACCGAGAGTTGC[T>C]GGTTCACCTTGACGATCCAGAGAGGGCCATCCAGGATGCAATTTTAGGTGAGACTCCGAC-3'
Protein context (NP_060272.3, residues 785-805): SSVQYLYREL[Leu795Pro]VHLDDPERAI